The following is an entry in ClinVar:

ClinVar aggregate classification (germline): Uncertain significance. Review status: criteria provided, multiple submitters, no conflicts (2 of 4 stars). 2 submissions from 2 submitters: Uncertain significance (2). Last evaluated 2025-02-10.

Conditions:
Hereditary cancer-predisposing syndrome. Also called: Neoplastic Syndromes, Hereditary; Hereditary Cancer Syndrome; Tumor predisposition; Hereditary neoplastic syndrome. Identifiers: Orphanet 140162, MedGen C0027672, MeSH D009386, MONDO:0015356.
Familial melanoma. Also called: Hereditary melanoma; Hereditary cutaneous melanoma. Identifiers: Orphanet 618, MedGen C1512419, MONDO:0018961.

Submissions (2):

Labcorp Genetics (formerly Invitae), Labcorp
Classification: Uncertain significance for Familial melanoma. Last evaluated: 2025-02-10. Review status: criteria provided, single submitter. Criteria: Invitae Variant Classification Sherloc (09022015). Collection method: clinical testing. Allele origin: germline.
Comment: The CDKN2A gene encodes two different proteins, p16INK4a and p14ARF, which are translated from alternative transcripts with different open reading frames. Both transcripts have been analyzed. We report either the variant with the higher classification or default to the CDKN2A (p16INK4a) variant. This report therefore includes the details for the CDKN2A (p16INK4a) variant. This sequence change replaces aspartic acid, which is acidic and polar, with glutamic acid, which is acidic and polar, at codon 74 of the CDKN2A (p16INK4a) protein (p.Asp74Glu). This variant is not present in population databases (gnomAD no frequency). This variant has not been reported in the literature in individuals affected with CDKN2A (p16INK4a)-related conditions. This variant is also known as c.265C>G (p.Pro89Ala) in the CDKN2A (p14ARF) transcript. ClinVar contains an entry for this variant (Variation ID: 660824). An algorithm developed to predict the effect of missense changes on protein structure and function (PolyPhen-2) suggests that this variant is likely to be disruptive. In summary, the available evidence is currently insufficient to determine the role of this variant in disease. Therefore, it has been classified as a Variant of Uncertain Significance.

Ambry Genetics
Classification: Uncertain significance for Hereditary cancer-predisposing syndrome. Last evaluated: 2024-01-16. Review status: criteria provided, single submitter. Criteria: Ambry Variant Classification Scheme 2023. Collection method: clinical testing. Allele origin: germline.
Comment: The p.D74E variant (also known as c.222C>G), located in coding exon 2 of the CDKN2A gene, results from a C to G substitution at nucleotide position 222. The aspartic acid at codon 74 is replaced by glutamic acid, an amino acid with highly similar properties. This amino acid position is highly conserved in available vertebrate species. In addition, this alteration is predicted to be deleterious by in silico analysis. Since supporting evidence is limited at this time, the clinical significance of this alteration remains unclear.

Literature cited by the submitters: PubMed 27519597 (cited by Ambry Genetics).

NM_000077.5(CDKN2A):c.222C>G (p.Asp74Glu)

Gene: CDKN2A (cyclin dependent kinase inhibitor 2A; minus strand). Cytogenetic location: 9p21.3.
Variant type: single nucleotide variant.
Coding change: c.222C>G on transcript NM_000077.5; coding-DNA position 222, C replaced by G.
Protein change: p.Asp74Glu; replaces aspartic acid 74 with glutamic acid.
Molecular consequence: missense variant (on NM_000077.6). On other transcripts: 3 prime UTR variant (1).
Genome position (GRCh38, 1-based): chr9:21,971,137, G>C on the plus strand (C>G on the coding strand, the complement: CDKN2A is on the minus strand). VCF-style: chr9-21971137-G-C. GRCh37 (hg19) VCF-style: chr9-21971136-G-C.
Other names: c.222C>G, p.Asp74Glu (NM_000077.6, NM_001195132.2); c.69C>G, p.Asp23Glu (NM_001363763.2); c.265C>G, p.Pro89Ala (NM_058195.4); c.*145C>G (NM_058197.5); short protein forms D23E, D74E, P89A.
Identifiers: ClinVar variation 660824 (VCV000660824.13), dbSNP rs1587332001, ClinGen allele CA373086297.